The following is an entry in ClinVar:

NM_017950.4(CCDC40):c.677-2A>G

Gene: CCDC40 (coiled-coil domain 40 molecular ruler complex subunit; plus strand). Cytogenetic location: 17q25.3.
Variant type: single nucleotide variant.
Coding change: c.677-2A>G on transcript NM_017950.4 (MANE Select); the canonical splice acceptor site of the intron before coding-DNA position 677, A replaced by G.
Molecular consequence: splice acceptor variant.
Genome position (GRCh38, 1-based): chr17:80,048,581, A>G. VCF-style: chr17-80048581-A-G. GRCh37 (hg19) VCF-style: chr17-78022380-A-G.
Other names: c.677-2A>G (NM_001243342.2, NM_001330508.2).
Identifiers: ClinVar variation 2199102 (VCV002199102.4), dbSNP rs752419274, ClinGen allele CA8813544.

ClinVar aggregate classification (germline): Likely pathogenic (1 of 4 stars; one submission).

Conditions:
Primary ciliary dyskinesia. Also called: Ciliary dyskinesia. Identifiers: Orphanet 244, MedGen C0008780, MONDO:0016575, HP:0012265.

Allele frequency attached by ClinVar (database versions not stated): gnomAD exomes below 0.00001; ExAC 0.00001.
gnomAD v4.1: 2 of 1,612,060 alleles (0.00012%); highest among the groups gnomAD compares: East Asian, 0.0045%; no homozygotes.

Submission:

Labcorp Genetics (formerly Invitae), Labcorp
Classification: Likely pathogenic for Primary ciliary dyskinesia. Last evaluated: 2022-05-27. Review status: criteria provided, single submitter. Criteria: Invitae Variant Classification Sherloc (09022015). Collection method: clinical testing. Allele origin: germline.
Comment: This sequence change affects an acceptor splice site in intron 4 of the CCDC40 gene. It is expected to disrupt RNA splicing. Variants that disrupt the donor or acceptor splice site typically lead to a loss of protein function (PMID: 16199547), and loss-of-function variants in CCDC40 are known to be pathogenic (PMID: 21131974, 22693285, 23255504). This variant is present in population databases (rs752419274, gnomAD 0.01%). This variant has not been reported in the literature in individuals affected with CCDC40-related conditions. Algorithms developed to predict the effect of sequence changes on RNA splicing suggest that this variant may disrupt the consensus splice site. In summary, the currently available evidence indicates that the variant is pathogenic, but additional data are needed to prove that conclusively. Therefore, this variant has been classified as Likely Pathogenic.

Literature cited by the submitters: PubMed 16199547; PubMed 21131974; PubMed 22693285; PubMed 23255504.